The following is an entry in ClinVar:

ClinVar aggregate classification (germline): Likely benign. Review status: criteria provided, single submitter (1 of 4 stars). 2 submissions from 2 submitters: Likely benign (1). 1 of the submissions does not count toward it. Last evaluated 2025-10-02.

Conditions:
DYNC2I1-related disorder. Also called: DYNC2I1-related condition.
Short-rib thoracic dysplasia 8 with or without polydactyly (SRTD8). Also called: SHORT-RIB THORACIC DYSPLASIA 8 WITH POLYDACTYLY. Identifiers: Orphanet 93271, MedGen C3809691, MONDO:0014214, OMIM 615503.

Allele frequency attached by ClinVar (database versions not stated): 1000 Genomes Project 30x 0.00016; 1000 Genomes Project 0.00020; gnomAD exomes 0.00004 and 0.00010; gnomAD 0.00013.
gnomAD v4.1: 81 of 1,614,040 alleles (0.005%); highest among the groups gnomAD compares: African/African-American, 0.036%; no homozygotes.

Submissions (2):

Labcorp Genetics (formerly Invitae), Labcorp
Classification: Likely benign for Short-rib thoracic dysplasia 8 with or without polydactyly. Last evaluated: 2025-10-02. Review status: criteria provided, single submitter. Criteria: Invitae Variant Classification Sherloc (09022015). Collection method: clinical testing. Allele origin: germline.

PreventionGenetics, part of Exact Sciences
Classification: Likely benign for DYNC2I1-related condition. Last evaluated: 2019-03-07. Review status: no assertion criteria provided. Collection method: clinical testing. Allele origin: germline. Not counted in ClinVar's aggregate classification.
Comment: This variant is classified as likely benign based on ACMG/AMP sequence variant interpretation guidelines (Richards et al. 2015 PMID: 25741868, with internal and published modifications).

NM_018051.5(DYNC2I1):c.1041G>A (p.Pro347=)

Gene: DYNC2I1 (dynein 2 intermediate chain 1; plus strand). Cytogenetic location: 7q36.3.
Variant type: single nucleotide variant.
Coding change: c.1041G>A on transcript NM_018051.5 (MANE Select); coding-DNA position 1041, G replaced by A.
Protein change: p.Pro347=; no amino-acid change (proline 347 retained).
Molecular consequence: synonymous variant. On other transcripts: 5 prime UTR variant (3).
Genome position (GRCh38, 1-based): chr7:158,891,315, G>A. VCF-style: chr7-158891315-G-A. GRCh37 (hg19) VCF-style: chr7-158684006-G-A.
Other names: c.903G>A, p.Pro301= (NM_001350914.2); c.468G>A, p.Pro156= (NM_001350915.2); c.-318G>A (NM_001350916.2); c.-326G>A (NM_001350917.2); c.-445G>A (NM_001350918.2); c.1041G>A (NM_018051.4).
Identifiers: ClinVar variation 1680661 (VCV001680661.10), dbSNP rs202014035, ClinGen allele CA4594499.